The following is an entry in ClinVar:

ClinVar aggregate classification (germline): Uncertain significance (1 of 4 stars; one submission).

Conditions:
RYR1-related disorder. Also called: RYR1-related condition; RYR1-related disorders. Identifiers: MedGen CN239331.

Allele frequency attached by ClinVar (database versions not stated): TOPMed below 0.00001; gnomAD 0.00001.
gnomAD v4.1: 1 of 1,613,202 alleles (0.000062%); highest among the groups gnomAD compares: Non-Finnish European, 0.000085%; no homozygotes.

Submission:

Labcorp Genetics (formerly Invitae), Labcorp
Classification: Uncertain significance for RYR1-related disorder. Last evaluated: 2022-11-10. Review status: criteria provided, single submitter. Criteria: Invitae Variant Classification Sherloc (09022015). Collection method: clinical testing. Allele origin: germline.
Comment: In summary, the available evidence is currently insufficient to determine the role of this variant in disease. Therefore, it has been classified as a Variant of Uncertain Significance. Algorithms developed to predict the effect of missense changes on protein structure and function (SIFT, PolyPhen-2, Align-GVGD) all suggest that this variant is likely to be tolerated. ClinVar contains an entry for this variant (Variation ID: 1507622). This variant has not been reported in the literature in individuals affected with RYR1-related conditions. This variant is not present in population databases (gnomAD no frequency). This sequence change replaces lysine, which is basic and polar, with arginine, which is basic and polar, at codon 4001 of the RYR1 protein (p.Lys4001Arg).

NM_000540.3(RYR1):c.12002A>G (p.Lys4001Arg)

Gene: RYR1 (ryanodine receptor 1; plus strand). Cytogenetic location: 19q13.2.
Variant type: single nucleotide variant.
Coding change: c.12002A>G on transcript NM_000540.3 (MANE Select); coding-DNA position 12002, A replaced by G.
Protein change: p.Lys4001Arg; replaces lysine 4001 with arginine.
Molecular consequence: missense variant.
Genome position (GRCh38, 1-based): chr19:38,543,865, A>G. VCF-style: chr19-38543865-A-G. GRCh37 (hg19) VCF-style: chr19-39034505-A-G.
Other names: c.11987A>G, p.Lys3996Arg (NM_001042723.2); short protein forms K3996R, K4001R.
Identifiers: ClinVar variation 1507622 (VCV001507622.6), dbSNP rs1339166347, ClinGen allele CA405663028.
Genomic context (GRCh38, chr19:38,543,865, plus strand): 5'-ACAGTCGCCTATGGGACGCAGTGGTGGGATTCCTGCACGTGTTCGCCCACATGATGATGA[A>G]GCTCGCTCAGGTTCGAGCCCCTCTGGTCTCCATCCACCTGCTTCCGGGCGTCCCCCAAGT-3'
Protein context (NP_000531.2, residues 3991-4011): FLHVFAHMMM[Lys4001Arg]LAQDSSQIEL